The following is an entry in ClinVar:

ClinVar aggregate classification (germline): Conflicting classifications of pathogenicity. Review status: criteria provided, conflicting classifications (1 of 4 stars). 5 submissions from 5 submitters: Uncertain significance (3); Likely benign (1). 1 of the submissions does not count toward it. Last evaluated 2025-11-29.

Conditions:
SH3TC2-related disorder. Also called: SH3TC2-related condition; SH3TC2-related disorders. Identifiers: MedGen CN239303.
Inborn genetic diseases. Identifiers: MedGen C0950123, MeSH D030342.
Charcot-Marie-Tooth disease. Also called: Charcot-Marie-Tooth Neuropathy; Charcot-Marie-Tooth Hereditary Neuropathy. Identifiers: Orphanet 166, MedGen C0007959, MONDO:0015626.
Charcot-Marie-Tooth disease type 4. Also called: Charcot-Marie-Tooth disease, type IV; Charcot-Marie-Tooth, Type 4. Identifiers: Orphanet 64749, MedGen C4082197, MONDO:0018995.

Allele frequency attached by ClinVar (database versions not stated): gnomAD exomes 0.00004 and 0.00016; ExAC 0.00019; ESP Exome Variant Server 0.00054; gnomAD 0.00058 and 0.00063; TOPMed 0.00067.
gnomAD v4.1: 157 of 1,613,726 alleles (0.0097%); highest among the groups gnomAD compares: African/African-American, 0.18%; no homozygotes.

Submissions (5):

Labcorp Genetics (formerly Invitae), Labcorp
Classification: Likely benign for Charcot-Marie-Tooth disease type 4. Last evaluated: 2025-11-29. Review status: criteria provided, single submitter. Criteria: Invitae Variant Classification Sherloc (09022015). Collection method: clinical testing. Allele origin: germline.

Ambry Genetics
Classification: Uncertain significance for Inborn genetic diseases. Last evaluated: 2025-11-20. Review status: criteria provided, single submitter. Criteria: Ambry Variant Classification Scheme 2023. Collection method: clinical testing. Allele origin: germline.

ARUP Laboratories, Molecular Genetics and Genomics, ARUP Laboratories
Classification: Uncertain significance. Last evaluated: 2016-09-28. Review status: criteria provided, single submitter. Criteria: ARUP Molecular Germline Variant Investigation Process. Collection method: clinical testing. Allele origin: germline.

Molecular Genetics Laboratory, London Health Sciences Centre
Classification: Uncertain significance for Charcot-Marie-Tooth disease. Review status: criteria provided, single submitter. Criteria: ACMG Guidelines, 2015. Collection method: clinical testing. Allele origin: germline. Affected: yes.

PreventionGenetics, part of Exact Sciences
Classification: Likely benign for SH3TC2-related condition. Last evaluated: 2021-02-17. Review status: no assertion criteria provided. Collection method: clinical testing. Allele origin: germline. Not counted in ClinVar's aggregate classification.
Comment: This variant is classified as likely benign based on ACMG/AMP sequence variant interpretation guidelines (Richards et al. 2015 PMID: 25741868, with internal and published modifications).

NM_024577.4(SH3TC2):c.1483A>G (p.Thr495Ala)

Gene: SH3TC2 (SH3 domain and tetratricopeptide repeats 2; minus strand). Cytogenetic location: 5q32.
Variant type: single nucleotide variant.
Coding change: c.1483A>G on transcript NM_024577.4 (MANE Select); coding-DNA position 1483, A replaced by G.
Protein change: p.Thr495Ala; replaces threonine 495 with alanine.
Molecular consequence: missense variant.
Genome position (GRCh38, 1-based): chr5:149,028,249, T>C on the plus strand (A>G on the coding strand, the complement: SH3TC2 is on the minus strand). VCF-style: chr5-149028249-T-C. GRCh37 (hg19) VCF-style: chr5-148407812-T-C.
Other names: short protein forms T495A.
Identifiers: ClinVar variation 407267 (VCV000407267.24), dbSNP rs10077543, ClinGen allele CA3499167.